The following is an entry in ClinVar:

ClinVar aggregate classification (germline): Conflicting classifications of pathogenicity. Review status: criteria provided, conflicting classifications (1 of 4 stars). 9 submissions from 9 submitters: Uncertain significance (1); Benign (1); Likely benign (3). 4 of the submissions do not count toward it. Last evaluated 2026-01-21.

Conditions:
RHBDF2-related disorder. Also called: RHBDF2-related condition.
Palmoplantar keratoderma-esophageal carcinoma syndrome (TOC). Also called: Tylosis with Esophageal Cancer; KERATOSIS PALMARIS ET PLANTARIS WITH ESOPHAGEAL CANCER; PALMOPLANTAR KERATODERMA WITH ESOPHAGEAL CANCER. Identifiers: Orphanet 2198, MedGen C1835664, MONDO:0007856, OMIM 148500.

Allele frequency attached by ClinVar (database versions not stated): 1000 Genomes Project 0.00140; 1000 Genomes Project 30x 0.00172; TOPMed 0.00244; ESP Exome Variant Server 0.00300; gnomAD 0.00318 and 0.00322; gnomAD exomes 0.00345 and 0.00466; ExAC 0.00380.
gnomAD v4.1: 7,170 of 1,597,394 alleles (0.45%); highest among the groups gnomAD compares: Non-Finnish European, 0.52%; 25 homozygotes.

Submissions (9):

Labcorp Genetics (formerly Invitae), Labcorp
Classification: Likely benign. Last evaluated: 2026-01-21. Review status: criteria provided, single submitter. Criteria: Invitae Variant Classification Sherloc (09022015). Collection method: clinical testing. Allele origin: germline.

CeGaT Center for Human Genetics Tuebingen
Classification: Likely benign. Last evaluated: 2026-01-01. Review status: criteria provided, single submitter. Criteria: CeGaT Center For Human Genetics Tuebingen Variant Classification Criteria Version 2. Collection method: clinical testing. Allele origin: germline. Affected: yes. Observed: 1 variant allele.
Comment: RHBDF2: BP4, BS2

Blueprint Genetics
Classification: Likely benign. Last evaluated: 2024-11-27. Review status: criteria provided, single submitter. Criteria: ACMG Guidelines, 2015. Collection method: clinical testing. Allele origin: germline.

Institute for Clinical Genetics, University Hospital TU Dresden, University Hospital TU Dresden
Classification: Uncertain significance. Last evaluated: 2021-11-03. Review status: criteria provided, single submitter. Criteria: ACMG Guidelines, 2015. Collection method: clinical testing. Allele origin: germline.

Illumina Laboratory Services, Illumina
Classification: Benign for Palmoplantar keratoderma-esophageal carcinoma syndrome. Last evaluated: 2018-01-12. Review status: criteria provided, single submitter. Criteria: ICSL Variant Classification Criteria 13 December 2019. Collection method: clinical testing. Allele origin: germline.
Comment: This variant was observed in the ICSL laboratory as part of a predisposition screen in an ostensibly healthy population. It had not been previously curated by ICSL or reported in the Human Gene Mutation Database (HGMD: prior to June 1st, 2018), and was therefore a candidate for classification through an automated scoring system. Utilizing variant allele frequency, disease prevalence and penetrance estimates, and inheritance mode, an automated score was calculated to assess if this variant is too frequent to cause the disease. Based on the score and internal cut-off values, a variant classified as benign is not then subjected to further curation. The score for this variant resulted in a classification of benign for this disease.

PreventionGenetics, part of Exact Sciences
Classification: Benign for RHBDF2-related condition. Last evaluated: 2019-07-08. Review status: no assertion criteria provided. Collection method: clinical testing. Allele origin: germline. Not counted in ClinVar's aggregate classification.
Comment: This variant is classified as benign based on ACMG/AMP sequence variant interpretation guidelines (Richards et al. 2015 PMID: 25741868, with internal and published modifications).

Clinical Genetics DNA and cytogenetics Diagnostics Lab, Erasmus MC, Erasmus Medical Center
Classification: Likely benign. Review status: no assertion criteria provided. Collection method: clinical testing. Allele origin: germline. Affected: yes. Study: VKGL Data-share Consensus. Not counted in ClinVar's aggregate classification.

Genome Diagnostics Laboratory, Amsterdam University Medical Center
Classification: Likely benign. Review status: no assertion criteria provided. Collection method: clinical testing. Allele origin: germline. Affected: yes. Study: VKGL Data-share Consensus. Not counted in ClinVar's aggregate classification.

Laboratory of Diagnostic Genome Analysis, Leiden University Medical Center (LUMC)
Classification: Likely benign. Review status: no assertion criteria provided. Collection method: clinical testing. Allele origin: germline. Affected: yes. Study: VKGL Data-share Consensus. Not counted in ClinVar's aggregate classification.

NM_001005498.4(RHBDF2):c.1495G>T (p.Asp499Tyr)

Gene: RHBDF2 (rhomboid 5 homolog 2; minus strand). Cytogenetic location: 17q25.1.
Variant type: single nucleotide variant.
Coding change: c.1495G>T on transcript NM_001005498.4 (MANE Select); coding-DNA position 1495, G replaced by T.
Protein change: p.Asp499Tyr; replaces aspartic acid 499 with tyrosine.
Molecular consequence: missense variant. On other transcripts: non-coding transcript variant (3).
Genome position (GRCh38, 1-based): chr17:76,474,112, C>A on the plus strand (G>T on the coding strand, the complement: RHBDF2 is on the minus strand). VCF-style: chr17-76474112-C-A. GRCh37 (hg19) VCF-style: chr17-74470194-C-A.
Other names: c.1495G>T, p.Asp499Tyr (NM_001376228.1, NM_001376229.1, NM_001376230.1); c.1582G>T, p.Asp528Tyr (NM_024599.5); short protein forms D528Y, D499Y.
Identifiers: ClinVar variation 325436 (VCV000325436.28), dbSNP rs11553545, ClinGen allele CA8786968.